The following is an entry in ClinVar:

NM_021969.3(NR0B2):c.339G>A (p.Pro113=)

Genes: NR0B2 (nuclear receptor subfamily 0 group B member 2; minus strand), NUDC (nuclear distribution C, dynein complex regulator; plus strand). Cytogenetic location: 1p36.11.
Variant type: single nucleotide variant.
Coding change: c.339G>A on transcript NM_021969.3 (MANE Select); coding-DNA position 339, G replaced by A.
Protein change: p.Pro113=; no amino-acid change (proline 113 retained).
Molecular consequence: synonymous variant.
Genome position (GRCh38, 1-based): chr1:26,913,602, C>T on the plus strand (G>A on the coding strand, the complement: NR0B2 is on the minus strand). VCF-style: chr1-26913602-C-T. GRCh37 (hg19) VCF-style: chr1-27240093-C-T.
Identifiers: ClinVar variation 1336545 (VCV001336545.11), dbSNP rs143133224, ClinGen allele CA709670.

ClinVar aggregate classification (germline): Benign/Likely benign. Review status: criteria provided, multiple submitters, no conflicts (2 of 4 stars). 4 submissions from 4 submitters: Benign (1); Likely benign (2). 1 of the submissions does not count toward it. Last evaluated 2025-06-20.

Conditions:
NR0B2-related disorder. Also called: NR0B2-related condition.

Allele frequency attached by ClinVar (database versions not stated): TOPMed 0.00091; ESP Exome Variant Server 0.00100; gnomAD 0.00104 and 0.00106; ExAC 0.00108.
gnomAD v4.1: 2,036 of 1,614,058 alleles (0.13%); highest among the groups gnomAD compares: Non-Finnish European, 0.16%; 4 homozygotes.

Submissions (4):

Labcorp Genetics (formerly Invitae), Labcorp
Classification: Benign. Last evaluated: 2025-06-20. Review status: criteria provided, single submitter. Criteria: Invitae Variant Classification Sherloc (09022015). Collection method: clinical testing. Allele origin: germline.

Blueprint Genetics
Classification: Likely benign. Last evaluated: 2024-11-22. Review status: criteria provided, single submitter. Criteria: ACMG Guidelines, 2015. Collection method: clinical testing. Allele origin: germline.

Genetic Services Laboratory, University of Chicago
Classification: Likely benign. Last evaluated: 2021-02-22. Review status: criteria provided, single submitter. Criteria: ACMG Guidelines, 2015. Collection method: clinical testing. Allele origin: germline. Affected: no.

PreventionGenetics, part of Exact Sciences
Classification: Likely benign for NR0B2-related condition. Last evaluated: 2020-10-05. Review status: no assertion criteria provided. Collection method: clinical testing. Allele origin: germline. Not counted in ClinVar's aggregate classification.
Comment: This variant is classified as likely benign based on ACMG/AMP sequence variant interpretation guidelines (Richards et al. 2015 PMID: 25741868, with internal and published modifications).